The following is an entry in ClinVar:

ClinVar aggregate classification (germline): Uncertain significance (1 of 4 stars; one submission).

Conditions:
TNF receptor-associated periodic fever syndrome (TRAPS) (FPF). Also called: FAMILIAL HIBERNIAN FEVER; TNF RECEPTOR-ASSOCIATED PERIODIC SYNDROME; TUMOR NECROSIS FACTOR RECEPTOR-ASSOCIATED PERIODIC SYNDROME; Autosomal Dominant Familial Periodic Fever; TNF Receptor-Associated Periodic Fever Syndrome; TNF receptor 1-associated periodic fever syndrome. Identifiers: Orphanet 32960, MedGen C1275126, MONDO:0007727, OMIM 142680.

gnomAD v4.1: 2 of 1,613,912 alleles (0.00012%); highest among the groups gnomAD compares: African/African-American, 0.0013%; no homozygotes.

Submission:

Labcorp Genetics (formerly Invitae), Labcorp
Classification: Uncertain significance for TNF receptor-associated periodic fever syndrome (TRAPS). Last evaluated: 2024-02-11. Review status: criteria provided, single submitter. Criteria: Invitae Variant Classification Sherloc (09022015). Collection method: clinical testing. Allele origin: germline.
Comment: This sequence change replaces leucine, which is neutral and non-polar, with isoleucine, which is neutral and non-polar, at codon 140 of the TNFRSF1A protein (p.Leu140Ile). This variant is not present in population databases (gnomAD no frequency). This variant has not been reported in the literature in individuals affected with TNFRSF1A-related conditions. Advanced modeling of protein sequence and biophysical properties (such as structural, functional, and spatial information, amino acid conservation, physicochemical variation, residue mobility, and thermodynamic stability) has been performed at Invitae for this missense variant, however the output from this modeling did not meet the statistical confidence thresholds required to predict the impact of this variant on TNFRSF1A protein function. In summary, the available evidence is currently insufficient to determine the role of this variant in disease. Therefore, it has been classified as a Variant of Uncertain Significance.

NM_001065.4(TNFRSF1A):c.418C>A (p.Leu140Ile)

Gene: TNFRSF1A (TNF receptor superfamily member 1A; minus strand). Cytogenetic location: 12p13.31.
Variant type: single nucleotide variant.
Coding change: c.418C>A on transcript NM_001065.4 (MANE Select); coding-DNA position 418, C replaced by A.
Protein change: p.Leu140Ile; replaces leucine 140 with isoleucine.
Molecular consequence: missense variant. On other transcripts: 5 prime UTR variant (1), non-coding transcript variant (1).
Genome position (GRCh38, 1-based): chr12:6,333,421, G>T on the plus strand (C>A on the coding strand, the complement: TNFRSF1A is on the minus strand). VCF-style: chr12-6333421-G-T. GRCh37 (hg19) VCF-style: chr12-6442587-G-T.
Other names: c.94C>A, p.Leu32Ile (NM_001346091.2); c.-160C>A (NM_001346092.2); short protein forms L140I, L32I.
Identifiers: ClinVar variation 3629346 (VCV003629346.2).